The following is an entry in ClinVar:

NM_006393.3(NEBL):c.1346A>G (p.Tyr449Cys)

Gene: NEBL (nebulette; minus strand). Cytogenetic location: 10p12.31.
Variant type: single nucleotide variant.
Coding change: c.1346A>G on transcript NM_006393.3 (MANE Select); coding-DNA position 1346, A replaced by G.
Protein change: p.Tyr449Cys; replaces tyrosine 449 with cysteine.
Molecular consequence: missense variant. On other transcripts: intron variant (9).
Genome position (GRCh38, 1-based): chr10:20,835,616, T>C on the plus strand (A>G on the coding strand, the complement: NEBL is on the minus strand). VCF-style: chr10-20835616-T-C. GRCh37 (hg19) VCF-style: chr10-21124545-T-C.
Other names: c.250-22676A>G (NM_001377326.1, NM_001377327.1, NM_001377328.1); c.358-22676A>G (NM_213569.2, NM_001173484.2, NM_001377322.1); c.301-22676A>G (NM_001377324.1); c.292-22676A>G (NM_001377325.1); c.310-22676A>G (NM_001377323.1); short protein forms Y449C.
Identifiers: ClinVar variation 1318266 (VCV001318266.12), dbSNP rs535927510, ClinGen allele CA5432894.

ClinVar aggregate classification (germline): Conflicting classifications of pathogenicity. Review status: criteria provided, conflicting classifications (1 of 4 stars). 4 submissions from 4 submitters: Uncertain significance (1); Likely benign (3). Last evaluated 2026-01-14.

Conditions:
Primary dilated cardiomyopathy (DCM). Also called: Dilated Cardiomyopathy. Identifiers: Orphanet 217604, MedGen C0007193, MeSH D002311, MONDO:0005021, HP:0001644. Inheritance: Various modes of inheritance.
NEBL-related disorder. Also called: NEBL-related condition.

Allele frequency attached by ClinVar (database versions not stated): gnomAD 0.00001 and 0.00005; TOPMed 0.00002; gnomAD exomes 0.00010 and 0.00022; 1000 Genomes Project 30x 0.00016; 1000 Genomes Project 0.00020; ExAC 0.00035.
gnomAD v4.1: 160 of 1,604,804 alleles (0.01%); highest among the groups gnomAD compares: South Asian, 0.16%; 1 homozygote.

Submissions (4):

Labcorp Genetics (formerly Invitae), Labcorp
Classification: Likely benign for Primary dilated cardiomyopathy. Last evaluated: 2026-01-14. Review status: criteria provided, single submitter. Criteria: Invitae Variant Classification Sherloc (09022015). Collection method: clinical testing. Allele origin: germline.

PreventionGenetics, part of Exact Sciences
Classification: Likely benign for NEBL-related condition. Last evaluated: 2025-07-21. Review status: criteria provided, single submitter. Criteria: ACMG Guidelines, 2015. Collection method: clinical testing. Allele origin: germline.
Comment: This variant is classified as likely benign based on ACMG/AMP sequence variant interpretation guidelines (Richards et al. 2015 PMID: 25741868, with internal and published modifications).

Ambry Genetics
Classification: Uncertain significance. Last evaluated: 2022-12-25. Review status: criteria provided, single submitter. Criteria: Ambry Variant Classification Scheme 2023. Collection method: clinical testing. Allele origin: germline.
Comment: The p.Y449C variant (also known as c.1346A>G), located in coding exon 14 of the NEBL gene, results from an A to G substitution at nucleotide position 1346. The tyrosine at codon 449 is replaced by cysteine, an amino acid with highly dissimilar properties. This amino acid position is conserved. In addition, this alteration is predicted to be deleterious by in silico analysis. Since supporting evidence is limited at this time, the clinical significance of this alteration remains unclear.

GeneDx
Classification: Likely benign. Last evaluated: 2020-01-03. Review status: criteria provided, single submitter. Criteria: GeneDx Variant Classification Process June 2021. Collection method: clinical testing. Allele origin: germline. Affected: yes.